The following is an entry in ClinVar:

ClinVar aggregate classification (germline): Benign (0 of 4 stars; one submission).

Conditions:
CDH19-related disorder. Also called: CDH19-related condition.

Allele frequency attached by ClinVar (database versions not stated): gnomAD exomes 0.01450; ESP Exome Variant Server 0.02091; gnomAD 0.03314; ExAC 0.03619; TOPMed 0.03772; 1000 Genomes Project 30x 0.06839; 1000 Genomes Project 0.06909.
gnomAD v4.1: 26,650 of 1,611,996 alleles (1.7%); highest among the groups gnomAD compares: East Asian, 16%; 1,333 homozygotes.

Submission:

PreventionGenetics, part of Exact Sciences
Classification: Benign for CDH19-related condition. Last evaluated: 2019-08-08. Review status: no assertion criteria provided. Collection method: clinical testing. Allele origin: germline.
Comment: This variant is classified as benign based on ACMG/AMP sequence variant interpretation guidelines (Richards et al. 2015 PMID: 25741868, with internal and published modifications).

NM_021153.4(CDH19):c.1791C>T (p.Val597=)

Gene: CDH19 (cadherin 19; minus strand). Cytogenetic location: 18q22.1.
Variant type: single nucleotide variant.
Coding change: c.1791C>T on transcript NM_021153.4 (MANE Select); coding-DNA position 1791, C replaced by T.
Protein change: p.Val597=; no amino-acid change (valine 597 retained).
Molecular consequence: synonymous variant. On other transcripts: non-coding transcript variant (1), intron variant (1).
Genome position (GRCh38, 1-based): chr18:66,509,032, G>A on the plus strand (C>T on the coding strand, the complement: CDH19 is on the minus strand). VCF-style: chr18-66509032-G-A. GRCh37 (hg19) VCF-style: chr18-64176269-G-A.
Other names: c.1459-3730C>T (NM_001271028.2).
Identifiers: ClinVar variation 3059447 (VCV003059447.2), dbSNP rs3764472, ClinGen allele CA8991746.
Genomic context (GRCh38, chr18:66,509,032, plus strand): 5'-TAGCAATGATGACTTCTACCTACCAAATATGATCATAATGCAAATGAGAATAGCAATGAT[G>A]ACTTCTGTCTTGAATCCCATGGAAAGCACAAGCTCCTGGTACTGGCAGGTCTGTGTGCTC-3'
Protein context (NP_066976.1, residues 587-607): LVLSMGFKTE[Val597=]IIAILICIMI